The following is an entry in ClinVar:

NM_001010909.5(MUC21):c.471A>G (p.Thr157=)

Gene: MUC21 (mucin 21, cell surface associated; plus strand). Cytogenetic location: 6p21.33.
Variant type: single nucleotide variant.
Coding change: c.471A>G on transcript NM_001010909.5 (MANE Select); coding-DNA position 471, A replaced by G.
Protein change: p.Thr157=; no amino-acid change (threonine 157 retained).
Molecular consequence: synonymous variant. On other transcripts: non-coding transcript variant (1).
Genome position (GRCh38, 1-based): chr6:30,986,646, A>G. VCF-style: chr6-30986646-A-G. GRCh37 (hg19) VCF-style: chr6-30954423-A-G.
Identifiers: ClinVar variation 3771427 (VCV003771427.13).

ClinVar aggregate classification (germline): Likely benign (1 of 4 stars; one submission).

Submission:

CeGaT Center for Human Genetics Tuebingen
Classification: Likely benign. Last evaluated: 2026-09-01. Review status: criteria provided, single submitter. Criteria: CeGaT Center For Human Genetics Tuebingen Variant Classification Criteria Version 2. Collection method: clinical testing. Allele origin: germline. Affected: yes. Observed: 2 variant alleles.
Comment: MUC21: BP4, BP7